The following is an entry in ClinVar:

NM_000143.4(FH):c.823G>T (p.Gly275Ter)

Gene: FH (fumarate hydratase; minus strand). Cytogenetic location: 1q43.
Variant type: single nucleotide variant.
Coding change: c.823G>T on transcript NM_000143.4 (MANE Select); coding-DNA position 823, G replaced by T.
Protein change: p.Gly275Ter; replaces glycine 275 with a stop codon.
Molecular consequence: nonsense.
Genome position (GRCh38, 1-based): chr1:241,506,084, C>A on the plus strand (G>T on the coding strand, the complement: FH is on the minus strand). VCF-style: chr1-241506084-C-A. GRCh37 (hg19) VCF-style: chr1-241669384-C-A.
Other names: short protein forms G275*.
Identifiers: ClinVar variation 1074197 (VCV001074197.7), dbSNP rs1060499639, ClinGen allele CA345438950.
Genomic context (GRCh38, chr1:241,506,084, plus strand): 5'-CAGCAACCTTTTCTGCAAAGCCAATTCTAGTATTTAAACCTGTACCAACAGCAGTGCCTC[C>A]AGCTGCGAGCTCATAGATTCTTGGCATGGCAGCTTTTATTCTTGTCATTGCATATTTTAC-3'

ClinVar aggregate classification (germline): Pathogenic (1 of 4 stars; one submission).

Submission:

Labcorp Genetics (formerly Invitae), Labcorp
Classification: Pathogenic. Last evaluated: 2020-07-21. Review status: criteria provided, single submitter. Criteria: Invitae Variant Classification Sherloc (09022015). Collection method: clinical testing. Allele origin: germline.
Comment: For these reasons, this variant has been classified as Pathogenic. Loss-of-function variants in FH are known to be pathogenic (PMID: 11865300, 21398687). This variant has not been reported in the literature in individuals with FH-related conditions. This variant is not present in population databases (ExAC no frequency). This sequence change creates a premature translational stop signal (p.Gly275*) in the FH gene. It is expected to result in an absent or disrupted protein product.

Literature cited by the submitters: PubMed 11865300; PubMed 21398687.